The following is an entry in ClinVar:

ClinVar aggregate classification (germline): Pathogenic (1 of 4 stars; one submission).

Conditions:
Polycystic kidney disease, adult type (PKD1). Also called: Polycystic Kidney, Autosomal Dominant; POLYCYSTIC KIDNEY DISEASE, ADULT, TYPE I; Polycystic Kidney Disease 1, Autosomal Dominant; Polycystic kidney disease 1; Polycystic kidney disease 1, severe; POLYCYSTIC KIDNEY DISEASE 1 WITH OR WITHOUT POLYCYSTIC LIVER DISEASE. Identifiers: MedGen C3149841, MONDO:0008263, OMIM 173900.

Submission:

Women's Health and Genetics/Laboratory Corporation of America, LabCorp
Classification: Pathogenic for Polycystic kidney disease, adult type. Last evaluated: 2026-05-11. Review status: criteria provided, single submitter. Criteria: LabCorp Variant Classification Summary - May 2015. Collection method: clinical testing. Allele origin: germline.
Comment: Variant summary: PKD1 c.6221delA (p.Asn2074ThrfsX42) results in a premature termination codon, predicted to cause a truncation of the encoded protein or absence of the protein due to nonsense mediated decay, which are commonly known mechanisms for disease. The variant was absent in 234012 control chromosomes. c.6221delA has been observed in at least one individual affected with Polycystic Kidney Disease 1 (example: Trujillano_2014). To our knowledge, no experimental evidence demonstrating an impact on protein function has been reported. The following publication has been ascertained in the context of this evaluation (PMID: 25333066). No submitters have cited clinical-significance assessments for this variant to ClinVar. Based on the evidence outlined above, the variant was classified as pathogenic.

Literature cited by the submitters: PubMed 25333066.

NM_001009944.3(PKD1):c.6221del (p.Asn2074fs)

Gene: PKD1 (polycystin 1, transient receptor potential channel interacting; minus strand). Cytogenetic location: 16p13.3.
Variant type: Deletion.
Coding change: c.6221del on transcript NM_001009944.3 (MANE Select); coding-DNA position 6221, one base deleted (A; older notation c.6221delA).
Protein change: p.Asn2074fs; shifts the reading frame from asparagine 2074.
Molecular consequence: frameshift variant.
Genome position (GRCh38, 1-based): chr16:2,108,946, T deleted on the plus strand (A on the coding strand, the reverse complement: PKD1 is on the minus strand); the first of 2 consecutive T bases (chr16:2,108,946-2,108,947); deleting either gives the same sequence. VCF-style (leftmost placement, unchanged base first): chr16-2108945-GT-G. GRCh37 (hg19) VCF-style: chr16-2158946-GT-G.
Other names: c.6221delA (NM_001009944.3); c.6221del, p.Asn2074fs (NM_000296.4); short protein forms N2074fs.
Identifiers: ClinVar variation 4853311 (VCV004853311.1).